The following is an entry in ClinVar:

NM_013444.4(UBQLN2):c.1490C>A (p.Pro497His)

Gene: UBQLN2 (ubiquilin 2; plus strand). Cytogenetic location: Xp11.21.
Variant type: single nucleotide variant.
Coding change: c.1490C>A on transcript NM_013444.4 (MANE Select); coding-DNA position 1490, C replaced by A.
Protein change: p.Pro497His; replaces proline 497 with histidine.
Molecular consequence: missense variant.
Genome position (GRCh38, 1-based): chrX:56,565,363, C>A. VCF-style: chrX-56565363-C-A. GRCh37 (hg19) VCF-style: chrX-56591796-C-A.
Other names: c.1490C>A (NM_013444.3); short protein forms P497H.
Identifiers: ClinVar variation 29950 (VCV000029950.10), dbSNP rs387906709, ClinGen allele CA259703.
Genomic context (GRCh38, chrX:56,565,363, plus strand): 5'-CTCCAGGTGTGGGGGTGGGGGTGCTGGGAACCGCTATAGGCCCTGTAGGCCCAGTCACCC[C>A]CATAGGCCCCATAGGCCCTATAGTCCCTTTTACCCCCATAGGCCCCATTGGGCCCATAGG-3'
Protein context (NP_038472.2, residues 487-507): TAIGPVGPVT[Pro497His]IGPIGPIVPF

ClinVar aggregate classification (germline): Pathogenic. Review status: criteria provided, multiple submitters, no conflicts (2 of 4 stars). 4 submissions from 4 submitters: Pathogenic (3). 1 of the submissions does not count toward it. Last evaluated 2025-10-30.

Conditions:
Amyotrophic lateral sclerosis type 15. Also called: AMYOTROPHIC LATERAL SCLEROSIS 15 WITH FRONTOTEMPORAL DEMENTIA. Identifiers: Orphanet 803, MedGen C3275459, MONDO:0010459, OMIM 300857.

Submissions (4):

Labcorp Genetics (formerly Invitae), Labcorp
Classification: Pathogenic for Amyotrophic lateral sclerosis type 15. Last evaluated: 2025-10-30. Review status: criteria provided, single submitter. Criteria: Invitae Variant Classification Sherloc (09022015). Collection method: clinical testing. Allele origin: germline.
Comment: This sequence change replaces proline, which is neutral and non-polar, with histidine, which is basic and polar, at codon 497 of the UBQLN2 protein (p.Pro497His). This variant is not present in population databases (gnomAD no frequency). This missense change has been observed in individuals with amyotrophic lateral sclerosis (PMID: 21857683, 30348461). It has also been observed to segregate with disease in related individuals. ClinVar contains an entry for this variant (Variation ID: 29950). Algorithms developed to predict the effect of variants on gene product structure and function are not available or were not evaluated for this variant. Experimental studies have shown that this missense change affects UBQLN2 function (PMID: 21857683, 24215460, 25398946). For these reasons, this variant has been classified as Pathogenic.

Mayo Clinic Laboratories, Mayo Clinic
Classification: Pathogenic. Last evaluated: 2025-08-12. Review status: criteria provided, single submitter. Criteria: ACMG Guidelines, 2015. Collection method: clinical testing. Allele origin: germline. Observed: 1 variant allele.
Comment: PP1_strong, PM1, PM2_supporting, PS3, PS4_moderate

Human Genetics Bochum, Ruhr University Bochum
Classification: Pathogenic for Amyotrophic lateral sclerosis type 15. Last evaluated: 2025-01-06. Review status: criteria provided, single submitter. Criteria: ACMG Guidelines, 2015. Collection method: clinical testing. Allele origin: germline. Affected: yes.
Comment: ACMG criteria used to clasify this variant: PS3, PS4, PM2_SUP, PP1

OMIM
Classification: Pathogenic for AMYOTROPHIC LATERAL SCLEROSIS 15 WITH OR WITHOUT FRONTOTEMPORAL DEMENTIA. Last evaluated: 2011-08-21. Review status: no assertion criteria provided. Collection method: literature only. Allele origin: germline. Not counted in ClinVar's aggregate classification.

Literature cited by the submitters: PubMed 21857683 (cited by 3 submitters); PubMed 30348461 (cited by Labcorp Genetics (formerly Invitae), Labcorp and Mayo Clinic Laboratories, Mayo Clinic); PubMed 24215460 (cited by Labcorp Genetics (formerly Invitae), Labcorp and Mayo Clinic Laboratories, Mayo Clinic); PubMed 25398946 (cited by Labcorp Genetics (formerly Invitae), Labcorp and Mayo Clinic Laboratories, Mayo Clinic); PubMed 25246588 (cited by Mayo Clinic Laboratories, Mayo Clinic); PubMed 25616961 (cited by Mayo Clinic Laboratories, Mayo Clinic); PubMed 26075709 (cited by Mayo Clinic Laboratories, Mayo Clinic); PubMed 28430856 (cited by Mayo Clinic Laboratories, Mayo Clinic); PubMed 38472280 (cited by Mayo Clinic Laboratories, Mayo Clinic); PubMed 38703371 (cited by Mayo Clinic Laboratories, Mayo Clinic).